The following is an entry in ClinVar:

ClinVar aggregate classification (germline): Benign/Likely benign. Review status: criteria provided, multiple submitters, no conflicts (2 of 4 stars). 23 submissions from 23 submitters: Benign (12); Likely benign (7). 4 of the submissions do not count toward it. Last evaluated 2026-04-01.

Conditions:
Lymphangiomyomatosis (LAM). Also called: Lymphangioleiomyomatosis; Lymphangioleiomyomatosis, somatic. Identifiers: Orphanet 538, MedGen C0751674, MONDO:0011705, OMIM 606690.
Isolated focal cortical dysplasia type II (FCORD2). Also called: CORTICAL DYSPLASIA OF TAYLOR; Focal cortical dysplasia type II. Identifiers: Orphanet 268994, MedGen C1846385, MONDO:0011818, OMIM 607341, HP:0032051.
Tuberous sclerosis 2 (TSC2). Identifiers: Orphanet 805, MedGen C1860707, MONDO:0013199, OMIM 613254.
Hereditary cancer-predisposing syndrome. Also called: Hereditary Cancer Syndrome; Tumor predisposition; Neoplastic Syndromes, Hereditary; Hereditary neoplastic syndrome. Identifiers: Orphanet 140162, MedGen C0027672, MeSH D009386, MONDO:0015356.
Tuberous sclerosis syndrome (TSC). Also called: Tuberous Sclerosis Complex; Tuberous sclerosis. Identifiers: Orphanet 805, MedGen C0041341, MONDO:0001734.

Allele frequency attached by ClinVar (database versions not stated): 1000 Genomes Project 0.00060; 1000 Genomes Project 30x 0.00062; TOPMed 0.00078; ESP Exome Variant Server 0.00100.
gnomAD v4.1: 1,403 of 1,612,814 alleles (0.087%); highest among the groups gnomAD compares: Non-Finnish European, 0.1%; 2 homozygotes.

Submissions (23):

CeGaT Center for Human Genetics Tuebingen
Classification: Likely benign. Last evaluated: 2026-04-01. Review status: criteria provided, single submitter. Criteria: CeGaT Center For Human Genetics Tuebingen Variant Classification Criteria Version 2. Collection method: clinical testing. Allele origin: germline. Affected: yes. Observed: 32 variant alleles.
Comment: TSC2: BP4, BP7, BS1

Labcorp Genetics (formerly Invitae), Labcorp
Classification: Benign for Tuberous sclerosis 2. Last evaluated: 2026-02-03. Review status: criteria provided, single submitter. Criteria: Invitae Variant Classification Sherloc (09022015). Collection method: clinical testing. Allele origin: germline.

Myriad Genetics, Inc.
Classification: Benign for Tuberous sclerosis 2. Last evaluated: 2025-06-06. Review status: criteria provided, single submitter. Criteria: Myriad Autosomal Dominant, Autosomal Recessive and X-Linked Classification Criteria (2023). Collection method: clinical testing. Allele origin: unknown.
Comment: This variant is considered benign. This variant is a silent/synonymous amino acid change and it is not expected to impact splicing.

ARUP Laboratories, Molecular Genetics and Genomics, ARUP Laboratories
Classification: Benign. Last evaluated: 2025-03-05. Review status: criteria provided, single submitter. Criteria: ARUP Molecular Germline Variant Investigation Process 2024. Collection method: clinical testing. Allele origin: germline.

Blueprint Genetics
Classification: Benign. Last evaluated: 2024-11-27. Review status: criteria provided, single submitter. Criteria: ACMG Guidelines, 2015. Collection method: clinical testing. Allele origin: germline.

All of Us Research Program, National Institutes of Health
Classification: Benign for Tuberous sclerosis syndrome. Last evaluated: 2024-02-05. Review status: criteria provided, single submitter. Criteria: ACMG Guidelines, 2015. Collection method: clinical testing. Allele origin: germline. Inheritance: Autosomal dominant inheritance. Observed: 205 variant alleles, 205 heterozygotes.
Comment: This study involves interpretation of variants in research participants for the purpose of population health screening. Participant phenotype was not available at the time of variant classification. Additional details can be found in publication PMID: 35346344, PMCID: PMC8962531

Women's Health and Genetics/Laboratory Corporation of America, LabCorp
Classification: Benign. Last evaluated: 2023-06-17. Review status: criteria provided, single submitter. Criteria: LabCorp Variant Classification Summary - May 2015. Collection method: clinical testing. Allele origin: germline.

Color Diagnostics, LLC DBA Color Health
Classification: Benign for Tuberous sclerosis syndrome. Last evaluated: 2022-10-09. Review status: criteria provided, single submitter. Criteria: ACMG Guidelines, 2015. Collection method: clinical testing. Allele origin: germline.

Genome-Nilou Lab
Classification: Benign for Tuberous sclerosis 2. Last evaluated: 2021-11-07. Review status: criteria provided, single submitter. Criteria: ACMG Guidelines, 2015. Collection method: clinical testing. Allele origin: germline. Affected: no.

Department of Pathology and Laboratory Medicine, Sinai Health System
Classification: Likely benign for Lymphangiomyomatosis; Isolated focal cortical dysplasia type II; Tuberous sclerosis 2. Last evaluated: 2021-10-14. Review status: criteria provided, single submitter. Criteria: ACMG Guidelines, 2015. Collection method: clinical testing. Allele origin: germline. Affected: yes.

Quest Diagnostics Nichols Institute San Juan Capistrano
Classification: Benign. Last evaluated: 2021-09-02. Review status: criteria provided, single submitter. Criteria: Quest Diagnostics criteria. Collection method: clinical testing. Allele origin: unknown.

Sema4
Classification: Benign for Hereditary cancer-predisposing syndrome. Last evaluated: 2020-10-30. Review status: criteria provided, single submitter. Criteria: Sema4 Curation Guidelines. Collection method: curation. Allele origin: germline.

Illumina Laboratory Services, Illumina
Classification: Likely benign for Tuberous sclerosis syndrome. Last evaluated: 2018-01-13. Review status: criteria provided, single submitter. Criteria: ICSL Variant Classification Criteria 13 December 2019. Collection method: clinical testing. Allele origin: germline.
Comment: This variant was observed in the ICSL laboratory as part of a predisposition screen in an ostensibly healthy population. It had not been previously curated by ICSL or reported in the Human Gene Mutation Database (HGMD: prior to June 1st, 2018), and was therefore a candidate for classification through an automated scoring system. Utilizing variant allele frequency, disease prevalence and penetrance estimates, and inheritance mode, an automated score was calculated to assess if this variant is too frequent to cause the disease. Based on the score and internal cut-off values, a variant classified as likely benign is not then subjected to further curation. The score for this variant resulted in a classification of likely benign for this disease.

Eurofins Ntd Llc (ga)
Classification: Benign. Last evaluated: 2016-02-12. Review status: criteria provided, single submitter. Criteria: EGL Classification Definitions 2015. Collection method: clinical testing. Allele origin: germline. Observed: 1 variant allele, 1 heterozygote.

Ambry Genetics
Classification: Likely benign for Hereditary cancer-predisposing syndrome. Last evaluated: 2014-10-07. Review status: criteria provided, single submitter. Criteria: Ambry Variant Classification Scheme 2023. Collection method: clinical testing. Allele origin: germline.

GeneDx
Classification: Benign. Last evaluated: 2013-09-25. Review status: criteria provided, single submitter. Criteria: GeneDx Variant Classification (06012015). Collection method: clinical testing. Allele origin: germline. Affected: yes.
Comment: This variant is considered likely benign or benign based on one or more of the following criteria: it is a conservative change, it occurs at a poorly conserved position in the protein, it is predicted to be benign by multiple in silico algorithms, and/or has population frequency not consistent with disease.

Laboratory for Molecular Medicine, Mass General Brigham Personalized Medicine
Classification: Likely benign. Last evaluated: 2013-02-21. Review status: criteria provided, single submitter. Criteria: LMM Criteria. Collection method: clinical testing. Allele origin: germline. Observed: 1 variant allele.
Comment: Ile1702Ile in exon 40 of TSC2: This variant is not expected to have clinical significance because it does not alter an amino acid residue and is not located within the splice consensus sequence. It has been identified in 0.1% (11/8600) of European American chromosomes from a broad population by the NHLBI Exome Sequencing Project (dbSNP rs45483700).

Breakthrough Genomics
Classification: Likely benign. Review status: criteria provided, single submitter. Criteria: ACMG Guidelines, 2015. Collection method: not provided. Allele origin: germline. Inheritance: Autosomal dominant inheritance. Affected: yes.

PreventionGenetics, part of Exact Sciences
Classification: Likely benign. Review status: criteria provided, single submitter. Criteria: ACMG Guidelines, 2015. Collection method: clinical testing. Allele origin: germline.

Clinical Genetics, Academic Medical Center
Classification: Likely benign. Review status: no assertion criteria provided. Collection method: clinical testing. Allele origin: germline. Affected: yes. Study: VKGL Data-share Consensus. Not counted in ClinVar's aggregate classification.

Genome Diagnostics Laboratory, University Medical Center Utrecht
Classification: Likely benign. Review status: no assertion criteria provided. Collection method: clinical testing. Allele origin: germline. Affected: yes. Study: VKGL Data-share Consensus. Not counted in ClinVar's aggregate classification.

Laboratory of Diagnostic Genome Analysis, Leiden University Medical Center (LUMC)
Classification: Likely benign. Review status: no assertion criteria provided. Collection method: clinical testing. Allele origin: germline. Affected: yes. Study: VKGL Data-share Consensus. Not counted in ClinVar's aggregate classification.

Tuberous sclerosis database (TSC2)
No classification provided. Condition: TSC. Review status: no classification provided. Criteria: Tuberous Sclerosis Database Assertion Criteria 2015. Collection method: curation. Allele origin: germline. Affected: yes. Not counted in ClinVar's aggregate classification.

NM_000548.5(TSC2):c.5106C>A (p.Ile1702=)

Gene: TSC2 (TSC complex subunit 2; plus strand). Cytogenetic location: 16p13.3.
Variant type: single nucleotide variant.
Coding change: c.5106C>A on transcript NM_000548.5 (MANE Select); coding-DNA position 5106, C replaced by A.
Protein change: p.Ile1702=; no amino-acid change (isoleucine 1702 retained).
Molecular consequence: synonymous variant.
Genome position (GRCh38, 1-based): chr16:2,088,085, C>A. VCF-style: chr16-2088085-C-A. GRCh37 (hg19) VCF-style: chr16-2138086-C-A.
Other names: p.I1702I:ATC>ATA; c.5106C>A (NM_000548.4); c.4905C>A, p.Ile1635= (NM_001077183.3); c.5037C>A, p.Ile1679= (NM_001114382.3); c.4797C>A, p.Ile1599= (NM_001318827.2); c.4761C>A, p.Ile1587= (NM_001318829.2); c.4374C>A, p.Ile1458= (NM_001318831.2); c.4938C>A, p.Ile1646= (NM_001318832.2); and 3 more.
Identifiers: ClinVar variation 50068 (VCV000050068.81), dbSNP rs45483700, ClinGen allele CA021728.
Genomic context (GRCh38, chr16:2,088,085, plus strand): 5'-GCGTGACCACCAAGTCTCCCCAGACATGGAGGGCCTTGTGGACACCAGCGTGGCCAAGAT[C>A]GTGTCTGACCGCAACCTGCCCTTCGTGGCCCGCCAGATGGCCCTGCACGCAAATGTGAGT-3'
Protein context (NP_000539.2, residues 1692-1712): EGLVDTSVAK[Ile1702=]VSDRNLPFVA